The following is an entry in ClinVar:

NM_004369.4(COL6A3):c.3365G>A (p.Ser1122Asn)

Gene: COL6A3 (collagen type VI alpha 3 chain; minus strand). Cytogenetic location: 2q37.3.
Variant type: single nucleotide variant.
Coding change: c.3365G>A on transcript NM_004369.4 (MANE Select); coding-DNA position 3365, G replaced by A.
Protein change: p.Ser1122Asn; replaces serine 1122 with asparagine.
Molecular consequence: missense variant.
Genome position (GRCh38, 1-based): chr2:237,374,726, C>T on the plus strand (G>A on the coding strand, the complement: COL6A3 is on the minus strand). VCF-style: chr2-237374726-C-T. GRCh37 (hg19) VCF-style: chr2-238283369-C-T.
Other names: c.2144G>A, p.Ser715Asn (NM_057164.5); c.2747G>A, p.Ser916Asn (NM_057165.5, NM_057167.4); c.1544G>A, p.Ser515Asn (NM_057166.5); short protein forms S916N, S715N, S515N, S1122N.
Identifiers: ClinVar variation 2963674 (VCV002963674.3), dbSNP rs2077787157, ClinGen allele CA351203403.

ClinVar aggregate classification (germline): Uncertain significance (1 of 4 stars; one submission).

Conditions:
Bethlem myopathy 1A. Also called: MYOPATHY, BENIGN CONGENITAL, WITH CONTRACTURES; Bethlem myopathy 1; Bethlem Muscular Dystrophy. Identifiers: Orphanet 610, MedGen CN029274, MONDO:0024530, OMIM 158810.

Allele frequency attached by ClinVar (database versions not stated): TOPMed below 0.00001.

Submission:

Labcorp Genetics (formerly Invitae), Labcorp
Classification: Uncertain significance for Bethlem myopathy 1A. Last evaluated: 2023-11-04. Review status: criteria provided, single submitter. Criteria: Invitae Variant Classification Sherloc (09022015). Collection method: clinical testing. Allele origin: germline.
Comment: This sequence change replaces serine, which is neutral and polar, with asparagine, which is neutral and polar, at codon 1122 of the COL6A3 protein (p.Ser1122Asn). This variant is not present in population databases (gnomAD no frequency). This variant has not been reported in the literature in individuals affected with COL6A3-related conditions. Advanced modeling of protein sequence and biophysical properties (such as structural, functional, and spatial information, amino acid conservation, physicochemical variation, residue mobility, and thermodynamic stability) performed at Invitae indicates that this missense variant is not expected to disrupt COL6A3 protein function with a negative predictive value of 80%. In summary, the available evidence is currently insufficient to determine the role of this variant in disease. Therefore, it has been classified as a Variant of Uncertain Significance.